The following is an entry in ClinVar:

ClinVar aggregate classification (germline): Uncertain significance. Review status: criteria provided, multiple submitters, no conflicts (2 of 4 stars). 2 submissions from 2 submitters: Uncertain significance (2). Last evaluated 2026-01-07.

Allele frequency attached by ClinVar (database versions not stated): ExAC 0.00001; gnomAD exomes 0.00001; gnomAD 0.00005; TOPMed 0.00005; ESP Exome Variant Server 0.00008.
gnomAD v4.1: 16 of 1,613,654 alleles (0.00099%); highest among the groups gnomAD compares: African/African-American, 0.02%; no homozygotes.

Submissions (2):

Labcorp Genetics (formerly Invitae), Labcorp
Classification: Uncertain significance. Last evaluated: 2026-01-07. Review status: criteria provided, single submitter. Criteria: Invitae Variant Classification Sherloc (09022015). Collection method: clinical testing. Allele origin: germline.
Comment: This sequence change replaces isoleucine, which is neutral and non-polar, with methionine, which is neutral and non-polar, at codon 760 of the SUCO protein (p.Ile760Met). This variant is present in population databases (rs373857381, gnomAD 0.03%). This variant has not been reported in the literature in individuals affected with SUCO-related conditions. ClinVar contains an entry for this variant (Variation ID: 2156976). An algorithm developed to predict the effect of missense changes on protein structure and function (PolyPhen-2) suggests that this variant is likely to be tolerated. In summary, the available evidence is currently insufficient to determine the role of this variant in disease. Therefore, it has been classified as a Variant of Uncertain Significance.

Ambry Genetics
Classification: Uncertain significance. Last evaluated: 2025-08-23. Review status: criteria provided, single submitter. Criteria: Ambry Variant Classification Scheme 2023. Collection method: clinical testing. Allele origin: germline.

NM_014283.5(SUCO):c.2280A>G (p.Ile760Met)

Gene: SUCO (SUN domain containing ossification factor; plus strand). Cytogenetic location: 1q24.3.
Variant type: single nucleotide variant.
Coding change: c.2280A>G on transcript NM_014283.5 (MANE Select); coding-DNA position 2280, A replaced by G.
Protein change: p.Ile760Met; replaces isoleucine 760 with methionine.
Molecular consequence: missense variant. On other transcripts: intron variant (1).
Genome position (GRCh38, 1-based): chr1:172,589,381, A>G. VCF-style: chr1-172589381-A-G. GRCh37 (hg19) VCF-style: chr1-172558521-A-G.
Other names: c.591A>G, p.Ile197Met (NM_001282751.2); c.2733A>G, p.Ile911Met (NM_016227.4); c.1712+457A>G (NM_001282750.2); c.2280A>G (NM_014283.3); short protein forms I197M, I760M, I911M.
Identifiers: ClinVar variation 2156976 (VCV002156976.5), dbSNP rs373857381, ClinGen allele CA1247054.